The following is an entry in ClinVar:

NC_000006.11:g.(?_163148674)_(163148700_?)dup

Genes: PACRG (parkin coregulated; plus strand), PRKN (parkin RBR E3 ubiquitin protein ligase; minus strand). Cytogenetic location: 6q26.
Variant type: Duplication.
Identifiers: ClinVar variation 1374896 (VCV001374896.4).

ClinVar aggregate classification (germline): Uncertain significance (1 of 4 stars; one submission).

Submission:

Labcorp Genetics (formerly Invitae), Labcorp
Classification: Uncertain significance. Last evaluated: 2021-07-22. Review status: criteria provided, single submitter. Criteria: Invitae Variant Classification Sherloc (09022015). Collection method: clinical testing. Allele origin: germline.
Comment: This variant results in a copy number gain of the genomic region encompassing exon(s) 1 of the PRKN gene. This region includes the initiator codon of the gene. This copy number gain extends beyond the assayed region for this gene and therefore may encompass additional genes. As the precise location of this event is unknown, it may be in tandem or it may be located elsewhere in the genome. A similar copy number variant has been observed in individual(s) with Parkinson disease (PMID: 16769863). In summary, the available evidence is currently insufficient to determine the role of this variant in disease. Therefore, it has been classified as a Variant of Uncertain Significance.

Literature cited by the submitters: PubMed 16769863.